The following is an entry in ClinVar:

ClinVar aggregate classification (germline): Pathogenic (1 of 4 stars; one submission).

Conditions:
Neurofibromatosis, type 1 (NF1). Also called: VON RECKLINGHAUSEN DISEASE; Neurofibromatosis, type I; NEUROFIBROMATOSIS, TYPE I, SOMATIC; Peripheral type neurofibromatosis. Identifiers: Orphanet 636, MedGen C0027831, MONDO:0018975, OMIM 162200. Disease mechanism: loss of function.

Submission:

Labcorp Genetics (formerly Invitae), Labcorp
Classification: Pathogenic for Neurofibromatosis, type 1. Last evaluated: 2023-09-27. Review status: criteria provided, single submitter. Criteria: Invitae Variant Classification Sherloc (09022015). Collection method: clinical testing. Allele origin: germline.
Comment: This sequence change creates a premature translational stop signal (p.Cys2257*) in the NF1 gene. It is expected to result in an absent or disrupted protein product. Loss-of-function variants in NF1 are known to be pathogenic (PMID: 10712197, 23913538). This variant is not present in population databases (gnomAD no frequency). This variant has not been reported in the literature in individuals affected with NF1-related conditions. For these reasons, this variant has been classified as Pathogenic.

Literature cited by the submitters: PubMed 10712197; PubMed 23913538.

NM_001042492.3(NF1):c.6832_6833insAAA (p.Cys2278Ter)

Gene: NF1 (neurofibromin 1; plus strand). Cytogenetic location: 17q11.2.
Variant type: Insertion.
Coding change: c.6832_6833insAAA on transcript NM_001042492.3 (MANE Select); coding-DNA positions 6832 to 6833, AAA inserted.
Protein change: p.Cys2278Ter; replaces cysteine 2278 with a stop codon.
Molecular consequence: nonsense.
Genome position: GRCh38 VCF-style: chr17-31338716-T-TAAA. GRCh37 (hg19) VCF-style: chr17-29665734-T-TAAA.
Other names: c.6769_6770insAAA, p.Cys2257_Asp2591delinsTer (NM_000267.4); short protein forms C2257*, C2278*.
Identifiers: ClinVar variation 2763797 (VCV002763797.3), dbSNP rs2508762441, ClinGen allele CA2697559621.